The following is an entry in ClinVar:

NC_012920.1(MT-ND6):m.14339A>G

Gene: MT-ND6 (mitochondrially encoded NADH dehydrogenase 6; minus strand).
Variant type: single nucleotide variant.
Genome position: chrM-14339-A-G.
Identifiers: ClinVar variation 693712 (VCV000693712.1), dbSNP rs1603224682, ClinGen allele CA414822016.

ClinVar aggregate classification (germline): Uncertain significance (1 of 4 stars; one submission).

Conditions:
Leigh syndrome (NULS). Also called: Leigh's necrotizing encephalopathy; Leigh's disease; Leigh's syndrome; LEIGH SYNDROME, NUCLEAR; Leigh Syndrome (mtDNA deletion); Leigh Disease. Identifiers: Orphanet 506, MedGen C2931891, MONDO:0009723, OMIM 256000.

Submission:

Wong Mito Lab, Molecular and Human Genetics, Baylor College of Medicine
Classification: Uncertain significance for Leigh syndrome. Last evaluated: 2019-10-17. Review status: criteria provided, single submitter. Criteria: Modified ACMG Guidelines (Unpublished). Collection method: clinical testing. Allele origin: germline.
Comment: The NC_012920.1:m.14339A>G (YP_003024037.1:p.Val112Ala) variant in MTND6 gene is interpretated to be a Uncertain Significance variant based on the modified ACMG guidelines (unpublished). This variant meets the following evidence codes: BP4